The following is an entry in ClinVar:

ClinVar aggregate classification (germline): Uncertain significance. Review status: criteria provided, multiple submitters, no conflicts (2 of 4 stars). 2 submissions from 2 submitters: Uncertain significance (2). Last evaluated 2022-11-18.

Allele frequency attached by ClinVar (database versions not stated): gnomAD exomes below 0.00001.
gnomAD v4.1: 1 of 1,551,652 alleles (0.000064%); highest among the groups gnomAD compares: South Asian, 0.0012%; no homozygotes.

Submissions (2):

Labcorp Genetics (formerly Invitae), Labcorp
Classification: Uncertain significance. Last evaluated: 2022-11-18. Review status: criteria provided, single submitter. Criteria: Invitae Variant Classification Sherloc (09022015). Collection method: clinical testing. Allele origin: germline.
Comment: In summary, the available evidence is currently insufficient to determine the role of this variant in disease. Therefore, it has been classified as a Variant of Uncertain Significance. Algorithms developed to predict the effect of missense changes on protein structure and function (SIFT, PolyPhen-2, Align-GVGD) all suggest that this variant is likely to be tolerated. This variant has not been reported in the literature in individuals affected with FAM65B-related conditions. This variant is not present in population databases (gnomAD no frequency). This sequence change replaces arginine, which is basic and polar, with lysine, which is basic and polar, at codon 399 of the FAM65B protein (p.Arg399Lys).

Blueprint Genetics
Classification: Uncertain significance. Last evaluated: 2021-02-01. Review status: criteria provided, single submitter. Criteria: ACMG Guidelines, 2015. Collection method: clinical testing. Allele origin: germline.

NM_001286445.3(RIPOR2):c.1164+452G>A

Gene: RIPOR2 (RHO family interacting cell polarization regulator 2; minus strand). Cytogenetic location: 6p22.3.
Variant type: single nucleotide variant.
Coding change: c.1164+452G>A on transcript NM_001286445.3 (MANE Select); 452 bases into the intron after coding-DNA position 1164, G replaced by A.
Molecular consequence: intron variant. On other transcripts: missense variant (1).
Genome position (GRCh38, 1-based): chr6:24,847,573, C>T on the plus strand (G>A on the coding strand, the complement: RIPOR2 is on the minus strand). VCF-style: chr6-24847573-C-T. GRCh37 (hg19) VCF-style: chr6-24847801-C-T.
Other names: c.1196G>A, p.Arg399Lys (NM_014722.5); c.1077+452G>A (NM_001346031.2, NM_001346032.2, NM_015864.5 and 1 more transcripts); c.1179+452G>A (NM_001286446.3); short protein forms R399K.
Identifiers: ClinVar variation 2809482 (VCV002809482.4), dbSNP rs2532731515, ClinGen allele CA362994988.